The following is an entry in ClinVar:

ClinVar aggregate classification (germline): Uncertain significance. Review status: criteria provided, multiple submitters, no conflicts (2 of 4 stars). 3 submissions from 3 submitters: Uncertain significance (2). 1 of the submissions does not count toward it. Last evaluated 2024-06-10.

Conditions:
Glucose-6-phosphate transport defect (GSD1B). Also called: Glycogen Storage Disease Type Ib; GSD Ib. Identifiers: Orphanet 364, Orphanet 79259, MedGen C0268146, MONDO:0009288, OMIM 232220.

Allele frequency attached by ClinVar (database versions not stated): gnomAD exomes below 0.00001; gnomAD 0.00001.

Submissions (3):

Blueprint Genetics
Classification: Uncertain significance. Last evaluated: 2024-06-10. Review status: criteria provided, single submitter. Criteria: ACMG Guidelines, 2015. Collection method: clinical testing. Allele origin: germline.

Labcorp Genetics (formerly Invitae), Labcorp
Classification: Uncertain significance for Glucose-6-phosphate transport defect. Last evaluated: 2019-11-03. Review status: criteria provided, single submitter. Criteria: Invitae Variant Classification Sherloc (09022015). Collection method: clinical testing. Allele origin: germline.
Comment: This sequence change replaces isoleucine with serine at codon 62 of the SLC37A4 protein (p.Ile62Ser). The isoleucine residue is highly conserved and there is a large physicochemical difference between isoleucine and serine. This variant is not present in population databases (ExAC no frequency). This variant has not been reported in the literature in individuals with SLC37A4-related conditions. ClinVar contains an entry for this variant (Variation ID: 557042). Algorithms developed to predict the effect of missense changes on protein structure and function (SIFT, PolyPhen-2, Align-GVGD) all suggest that this variant is likely to be disruptive, but these predictions have not been confirmed by published functional studies and their clinical significance is uncertain. In summary, the available evidence is currently insufficient to determine the role of this variant in disease. Therefore, it has been classified as a Variant of Uncertain Significance.

Counsyl
Classification: Uncertain significance for Glucose-6-phosphate transport defect. Last evaluated: 2018-03-06. Review status: no assertion criteria provided. Collection method: clinical testing. Allele origin: unknown. Not counted in ClinVar's aggregate classification.

NM_001164277.2(SLC37A4):c.185T>G (p.Ile62Ser)

Gene: SLC37A4 (solute carrier family 37 member 4; minus strand). Cytogenetic location: 11q23.3.
Variant type: single nucleotide variant.
Coding change: c.185T>G on transcript NM_001164277.2 (MANE Select); coding-DNA position 185, T replaced by G.
Protein change: p.Ile62Ser; replaces isoleucine 62 with serine.
Molecular consequence: missense variant. On other transcripts: 5 prime UTR variant (1).
Genome position (GRCh38, 1-based): chr11:119,028,390, A>C on the plus strand (T>G on the coding strand, the complement: SLC37A4 is on the minus strand). VCF-style: chr11-119028390-A-C. GRCh37 (hg19) VCF-style: chr11-118899100-A-C.
Other names: c.185T>G, p.Ile62Ser (NM_001164278.2, NM_001164280.2, NM_001467.6); c.-35T>G (NM_001164279.2); short protein forms I62S.
Identifiers: ClinVar variation 557042 (VCV000557042.5), dbSNP rs1555191621, ClinGen allele CA382906269.